The following is an entry in ClinVar:

NM_176824.3(BBS7):c.2010_2011del (p.Tyr671fs)

Gene: BBS7 (Bardet-Biedl syndrome 7; minus strand). Cytogenetic location: 4q27.
Variant type: Microsatellite.
Coding change: c.2010_2011del on transcript NM_176824.3 (MANE Select); coding-DNA positions 2010 to 2011, 2 bases deleted (CT; older notation c.2010_2011delCT).
Protein change: p.Tyr671fs; shifts the reading frame from tyrosine 671.
Molecular consequence: frameshift variant.
Genome position (GRCh38, 1-based): chr4:121,828,149-121,828,150, AG deleted on the plus strand (CT on the coding strand, the reverse complement: BBS7 is on the minus strand); deleting any 2 consecutive bases within chr4:121,828,149-121,828,152 gives the same sequence; the c. name uses the placement nearest the transcript's 3' end. VCF-style (leftmost placement, unchanged base first): chr4-121828148-TAG-T. GRCh37 (hg19) VCF-style: chr4-122749303-TAG-T.
Other names: c.2010_2011del, p.Tyr671fs (NM_018190.4); short protein forms Y671fs.
Identifiers: ClinVar variation 4819981 (VCV004819981.2).
Genomic context (GRCh38, chr4:121,828,148, plus strand): 5'-TTGGGAAATAGCCAGTTGAAAAGAAATATGGCAAGGTATTCTAGAATGGTCCACTAACCA[TAG>T]AGTCTTTCAAGATGTGCAGGTTGCTTTTTGTATTCTTCCTGTAGGTGATCTGCCTCTTCT-3'

ClinVar aggregate classification (germline): Uncertain significance. Review status: criteria provided, multiple submitters, no conflicts (2 of 4 stars). 2 submissions from 2 submitters: Uncertain significance (2). Last evaluated 2026-02-10.

Conditions:
Retinal disorder. Also called: Retinopathy; Retinopathies; Retinal Diseases; Retinal disorders. Identifiers: MedGen C0035309, MONDO:0005283, HP:0000488.

Submissions (2):

Genetics Laboratory, Great Ormond Street Hospital NHS Foundation Trust, North Thames Genomic Laboratory Hub
Classification: Uncertain significance for Retinal disorders. Last evaluated: 2026-02-10. Review status: criteria provided, single submitter. Criteria: ACGS Best Practice Guidelines for Variant Classification in Rare Disease 2024 v1.2. Collection method: clinical testing. Allele origin: germline. Affected: yes.
Comment: PM2_moderate, PVS1_moderate

Blueprint Genetics
Classification: Uncertain significance. Last evaluated: 2023-12-08. Review status: criteria provided, single submitter. Criteria: ACMG Guidelines, 2015. Collection method: clinical testing. Allele origin: germline.